The following is an entry in ClinVar:

ClinVar aggregate classification (germline): Uncertain significance (1 of 4 stars; one submission).

Conditions:
Neurodevelopmental disorder with hypotonia, stereotypic hand movements, and impaired language. Also called: Intellectual disability, autosomal dominant 20. Identifiers: Orphanet 228384, Orphanet 664410, MedGen C3150700, MONDO:0013266, OMIM 613443.

Submission:

Labcorp Genetics (formerly Invitae), Labcorp
Classification: Uncertain significance for Neurodevelopmental disorder with hypotonia, stereotypic hand movements, and impaired language. Last evaluated: 2024-12-16. Review status: criteria provided, single submitter. Criteria: Invitae Variant Classification Sherloc (09022015). Collection method: clinical testing. Allele origin: germline.
Comment: This sequence change replaces alanine, which is neutral and non-polar, with serine, which is neutral and polar, at codon 314 of the MEF2C protein (p.Ala314Ser). This variant is not present in population databases (gnomAD no frequency). This variant has not been reported in the literature in individuals affected with MEF2C-related conditions. ClinVar contains an entry for this variant (Variation ID: 2090197). Invitae Evidence Modeling of protein sequence and biophysical properties (such as structural, functional, and spatial information, amino acid conservation, physicochemical variation, residue mobility, and thermodynamic stability) indicates that this missense variant is not expected to disrupt MEF2C protein function with a negative predictive value of 95%. In summary, the available evidence is currently insufficient to determine the role of this variant in disease. Therefore, it has been classified as a Variant of Uncertain Significance.

NM_002397.5(MEF2C):c.940G>T (p.Ala314Ser)

Gene: MEF2C (myocyte enhancer factor 2C; minus strand). Cytogenetic location: 5q14.3.
Variant type: single nucleotide variant.
Coding change: c.940G>T on transcript NM_002397.5 (MANE Select); coding-DNA position 940, G replaced by T.
Protein change: p.Ala314Ser; replaces alanine 314 with serine.
Molecular consequence: missense variant.
Genome position (GRCh38, 1-based): chr5:88,729,242, C>A on the plus strand (G>T on the coding strand, the complement: MEF2C is on the minus strand). VCF-style: chr5-88729242-C-A. GRCh37 (hg19) VCF-style: chr5-88025059-C-A.
Other names: c.916G>T, p.Ala306Ser (NM_001364341.2, NM_001364342.2, NM_001364348.2 and 6 more transcripts); c.910G>T, p.Ala304Ser (NM_001364343.2, NM_001131005.2, NM_001364352.2); c.796G>T, p.Ala266Ser (NM_001364344.2, NM_001193349.3, NM_001364332.2 and 2 more transcripts); c.940G>T, p.Ala314Ser (NM_001364345.2, NM_001364346.2, NM_001364347.2 and 9 more transcripts); c.970G>T, p.Ala324Ser (NM_001193347.1, NM_001364338.2); c.772G>T, p.Ala258Ser (NM_001193348.1); c.562G>T, p.Ala188Ser (NM_001364353.2, NM_001364356.2); c.490G>T, p.Ala164Ser (NM_001364357.2); short protein forms A314S, A324S, A258S, A304S, A188S, A266S, A164S, A306S.
Identifiers: ClinVar variation 2090197 (VCV002090197.4), dbSNP rs2546971322, ClinGen allele CA360422843.